The following is an entry in ClinVar:

ClinVar aggregate classification (germline): Uncertain significance. Review status: criteria provided, multiple submitters, no conflicts (2 of 4 stars). 2 submissions from 2 submitters: Uncertain significance (2). Last evaluated 2025-04-04.

Allele frequency attached by ClinVar (database versions not stated): TOPMed 0.00001; gnomAD exomes 0.00002; gnomAD 0.00005; ExAC 0.00006; 1000 Genomes Project 30x 0.00031; 1000 Genomes Project 0.00040.
gnomAD v4.1: 40 of 1,576,738 alleles (0.0025%); highest among the groups gnomAD compares: Middle Eastern, 0.051%; no homozygotes.

Submissions (2):

Ambry Genetics
Classification: Uncertain significance. Last evaluated: 2025-04-04. Review status: criteria provided, single submitter. Criteria: Ambry Variant Classification Scheme 2023. Collection method: clinical testing. Allele origin: germline.

Labcorp Genetics (formerly Invitae), Labcorp
Classification: Uncertain significance. Last evaluated: 2023-08-01. Review status: criteria provided, single submitter. Criteria: Invitae Variant Classification Sherloc (09022015). Collection method: clinical testing. Allele origin: germline.
Comment: Algorithms developed to predict the effect of sequence changes on RNA splicing suggest that this variant may disrupt the consensus splice site. An algorithm developed to predict the effect of missense changes on protein structure and function (PolyPhen-2) suggests that this variant is likely to be tolerated. This variant has not been reported in the literature in individuals affected with XPO5-related conditions. This variant is present in population databases (rs201099159, gnomAD 0.009%). This sequence change replaces threonine, which is neutral and polar, with serine, which is neutral and polar, at codon 209 of the XPO5 protein (p.Thr209Ser). In summary, the available evidence is currently insufficient to determine the role of this variant in disease. Therefore, it has been classified as a Variant of Uncertain Significance.

NM_020750.3(XPO5):c.625A>T (p.Thr209Ser)

Gene: XPO5 (exportin 5; minus strand). Cytogenetic location: 6p21.1.
Variant type: single nucleotide variant.
Coding change: c.625A>T on transcript NM_020750.3 (MANE Select); coding-DNA position 625, A replaced by T.
Protein change: p.Thr209Ser; replaces threonine 209 with serine.
Molecular consequence: missense variant. On other transcripts: non-coding transcript variant (1).
Genome position (GRCh38, 1-based): chr6:43,568,734, T>A on the plus strand (A>T on the coding strand, the complement: XPO5 is on the minus strand). VCF-style: chr6-43568734-T-A. GRCh37 (hg19) VCF-style: chr6-43536471-T-A.
Other names: c.625A>T (NM_020750.2); short protein forms T209S.
Identifiers: ClinVar variation 2722573 (VCV002722573.4), dbSNP rs201099159, ClinGen allele CA3826671.